The following is an entry in ClinVar:

ClinVar aggregate classification (germline): Uncertain significance (1 of 4 stars; one submission).

Allele frequency attached by ClinVar (database versions not stated): gnomAD exomes 0.00001; gnomAD 0.00002; TOPMed 0.00002; ExAC 0.00002.

Submission:

Labcorp Genetics (formerly Invitae), Labcorp
Classification: Uncertain significance. Last evaluated: 2024-10-29. Review status: criteria provided, single submitter. Criteria: Invitae Variant Classification Sherloc (09022015). Collection method: clinical testing. Allele origin: germline.
Comment: This sequence change results in a frameshift in the CRAT gene (p.Leu589Valfs*41). While this is not anticipated to result in nonsense mediated decay, it is expected to disrupt the last 38 amino acid(s) of the CRAT protein and extend the protein by 2 additional amino acid residues. This variant is present in population databases (rs759399050, gnomAD 0.007%). This variant has not been reported in the literature in individuals affected with CRAT-related conditions. ClinVar contains an entry for this variant (Variation ID: 2056693). In summary, the available evidence is currently insufficient to determine the role of this variant in disease. Therefore, it has been classified as a Variant of Uncertain Significance.

NM_000755.5(CRAT):c.1765_1766del (p.Leu589fs)

Gene: CRAT (carnitine O-acetyltransferase; minus strand). Cytogenetic location: 9q34.11.
Variant type: Deletion.
Coding change: c.1765_1766del on transcript NM_000755.5 (MANE Select); coding-DNA positions 1765 to 1766, 2 bases deleted (CT; older notation c.1765_1766delCT).
Protein change: p.Leu589fs; shifts the reading frame from leucine 589.
Molecular consequence: frameshift variant.
Genome position (GRCh38, 1-based): chr9:129,095,512-129,095,513, AG deleted on the plus strand (CT on the coding strand, the reverse complement: CRAT is on the minus strand). VCF-style (leftmost placement, unchanged base first): chr9-129095511-CAG-C. GRCh37 (hg19) VCF-style: chr9-131857790-CAG-C.
Other names: c.1702_1703del, p.Leu568fs (NM_001257363.3, NM_004003.4); c.1768_1769del, p.Leu590fs (NM_001346546.2); c.1693_1694del, p.Leu565fs (NM_001346547.2); c.1630_1631del, p.Leu544fs (NM_001346548.2); c.1645_1646del, p.Leu549fs (NM_001346549.2); short protein forms L544fs, L565fs, L590fs, L549fs, L568fs, L589fs.
Identifiers: ClinVar variation 2056693 (VCV002056693.4), dbSNP rs759399050, ClinGen allele CA5275255.